The following is an entry in ClinVar:

ClinVar aggregate classification (germline): Pathogenic (1 of 4 stars; one submission).

Submission:

Labcorp Genetics (formerly Invitae), Labcorp
Classification: Pathogenic. Last evaluated: 2022-09-09. Review status: criteria provided, single submitter. Criteria: Invitae Variant Classification Sherloc (09022015). Collection method: clinical testing. Allele origin: germline.
Comment: For these reasons, this variant has been classified as Pathogenic. ClinVar contains an entry for this variant (Variation ID: 835792). This variant has not been reported in the literature in individuals affected with MTTP-related conditions. This variant is not present in population databases (gnomAD no frequency). This sequence change creates a premature translational stop signal (p.Ile287Phefs*62) in the MTTP gene. It is expected to result in an absent or disrupted protein product. Loss-of-function variants in MTTP are known to be pathogenic (PMID: 8533758, 9671739).

Literature cited by the submitters: PubMed 8533758; PubMed 9671739.

NM_001386140.1(MTTP):c.858del (p.Ile287fs)

Gene: MTTP (microsomal triglyceride transfer protein; plus strand). Cytogenetic location: 4q23.
Variant type: Deletion.
Coding change: c.858del on transcript NM_001386140.1 (MANE Select); coding-DNA position 858, one base deleted (C; older notation c.858delC).
Protein change: p.Ile287fs; shifts the reading frame from isoleucine 287.
Molecular consequence: frameshift variant.
Genome position (GRCh38, 1-based): chr4:99,594,832, C deleted; the last of 2 consecutive C bases (chr4:99,594,831-99,594,832); deleting either gives the same sequence. VCF-style (leftmost placement, unchanged base first): chr4-99594830-GC-G. GRCh37 (hg19) VCF-style: chr4-100515987-GC-G.
Other names: c.858del, p.Ile287fs (NM_000253.4); c.609del, p.Ile204fs (NM_001300785.2); short protein forms I287fs, I204fs.
Identifiers: ClinVar variation 835792 (VCV000835792.8), dbSNP rs1725514012, ClinGen allele CA916082652.